The following is an entry in ClinVar:

ClinVar aggregate classification (germline): Benign/Likely benign. Review status: criteria provided, multiple submitters, no conflicts (2 of 4 stars). 13 submissions from 13 submitters: Benign (11); Likely benign (2). Last evaluated 2026-08-01.

Conditions:
Primary ciliary dyskinesia 13. Also called: CILIARY DYSKINESIA, PRIMARY, 13, WITH OR WITHOUT SITUS INVERSUS. Identifiers: Orphanet 244, MedGen C2750790, MONDO:0013174, OMIM 613193.
Primary ciliary dyskinesia. Also called: Ciliary dyskinesia. Identifiers: Orphanet 244, MedGen C0008780, MONDO:0016575, HP:0012265.

Allele frequency attached by ClinVar (database versions not stated): 1000 Genomes Project 30x 0.00796; 1000 Genomes Project 0.00799; ExAC 0.00961; gnomAD exomes 0.00980 and 0.01553; gnomAD 0.01064 and 0.01090; ESP Exome Variant Server 0.01154; TOPMed 0.01182.
gnomAD v4.1: 24,186 of 1,614,090 alleles (1.5%); highest among the groups gnomAD compares: Non-Finnish European, 1.9%; 237 homozygotes.

Submissions (13):

CeGaT Center for Human Genetics Tuebingen
Classification: Benign. Last evaluated: 2026-08-01. Review status: criteria provided, single submitter. Criteria: CeGaT Center For Human Genetics Tuebingen Variant Classification Criteria Version 2. Collection method: clinical testing. Allele origin: germline. Affected: yes. Observed: 7 variant alleles.
Comment: DNAAF1: BP4, BS1, BS2

Labcorp Genetics (formerly Invitae), Labcorp
Classification: Benign for Primary ciliary dyskinesia. Last evaluated: 2026-02-01. Review status: criteria provided, single submitter. Criteria: Invitae Variant Classification Sherloc (09022015). Collection method: clinical testing. Allele origin: germline.

Blueprint Genetics
Classification: Likely benign. Last evaluated: 2024-11-26. Review status: criteria provided, single submitter. Criteria: ACMG Guidelines, 2015. Collection method: clinical testing. Allele origin: germline.

ARUP Laboratories, Molecular Genetics and Genomics, ARUP Laboratories
Classification: Likely benign for Primary ciliary dyskinesia 13. Last evaluated: 2023-11-29. Review status: criteria provided, single submitter. Criteria: ARUP Molecular Germline Variant Investigation Process 2024. Collection method: clinical testing. Allele origin: germline.

Mayo Clinic Laboratories, Mayo Clinic
Classification: Benign. Last evaluated: 2023-03-29. Review status: criteria provided, single submitter. Criteria: ACMG Guidelines, 2015. Collection method: clinical testing. Allele origin: germline. Observed: 4 variant alleles.
Comment: BS1, BP4_strong

GeneDx
Classification: Benign. Last evaluated: 2020-04-21. Review status: criteria provided, single submitter. Criteria: GeneDx Variant Classification Process June 2021. Collection method: clinical testing. Allele origin: germline. Affected: yes.
Comment: This variant is associated with the following publications: (PMID: 23599692)

Mendelics
Classification: Benign for Primary ciliary dyskinesia 13. Last evaluated: 2019-05-28. Review status: criteria provided, single submitter. Criteria: Mendelics Assertion Criteria 2017. Collection method: clinical testing. Allele origin: unknown.

Illumina Laboratory Services, Illumina
Classification: Benign for Primary ciliary dyskinesia 13. Last evaluated: 2017-04-27. Review status: criteria provided, single submitter. Criteria: ICSL Variant Classification Criteria 13 December 2019. Collection method: clinical testing. Allele origin: germline.
Comment: This variant was observed as part of a predisposition screen in an ostensibly healthy population. A literature search was performed for the gene, cDNA change, and amino acid change (where applicable). Publications were found based on this search. The evidence from the literature, in combination with allele frequency data from public databases where available, was sufficient to rule this variant out of causing disease. Therefore, this variant is classified as benign.

Eurofins Ntd Llc (ga)
Classification: Benign. Last evaluated: 2015-04-01. Review status: criteria provided, single submitter. Criteria: EGL Classification Definitions 2015. Collection method: clinical testing. Allele origin: germline. Observed: 2 variant alleles, 2 heterozygotes.

Ambry Genetics
Classification: Benign for Primary ciliary dyskinesia. Last evaluated: 2014-06-24. Review status: criteria provided, single submitter. Criteria: Ambry Variant Classification Scheme 2023. Collection method: clinical testing. Allele origin: germline.

Laboratory for Molecular Medicine, Mass General Brigham Personalized Medicine
Classification: Benign. Last evaluated: 2013-02-21. Review status: criteria provided, single submitter. Criteria: LMM Criteria. Collection method: clinical testing. Allele origin: germline. Observed: 4 variant alleles.
Comment: Thr590Met in exon 11 of DNAAF1: This variant is not expected to have clinical si gnificance because it has been identified in 1.6% (138/8600) of European America n chromosomes from a broad population by the NHLBI Exome Sequencing Project (dbSNP rs34777958).

Breakthrough Genomics
Classification: Benign. Review status: criteria provided, single submitter. Criteria: ACMG Guidelines, 2015. Collection method: not provided. Allele origin: germline. Inheritance: Autosomal recessive inheritance. Affected: yes.

PreventionGenetics, part of Exact Sciences
Classification: Benign. Review status: criteria provided, single submitter. Criteria: ACMG Guidelines, 2015. Collection method: clinical testing. Allele origin: germline.

Literature cited by the submitters: PubMed 23599692 (cited by Illumina Laboratory Services, Illumina).

NM_178452.6(DNAAF1):c.1769C>T (p.Thr590Met)

Gene: DNAAF1 (dynein axonemal assembly factor 1; plus strand). Cytogenetic location: 16q24.1.
Variant type: single nucleotide variant.
Coding change: c.1769C>T on transcript NM_178452.6 (MANE Select); coding-DNA position 1769, C replaced by T.
Protein change: p.Thr590Met; replaces threonine 590 with methionine.
Molecular consequence: missense variant.
Genome position (GRCh38, 1-based): chr16:84,176,003, C>T. VCF-style: chr16-84176003-C-T. GRCh37 (hg19) VCF-style: chr16-84209609-C-T.
Other names: c.1061C>T, p.Thr354Met (NM_001318756.1); short protein forms T590M, T354M.
Identifiers: ClinVar variation 163085 (VCV000163085.49), dbSNP rs34777958, ClinGen allele CA175682.